The following is an entry in ClinVar:

ClinVar aggregate classification (germline): Uncertain significance (1 of 4 stars; one submission).

gnomAD v4.1: 1 of 1,614,250 alleles (0.000062%); highest among the groups gnomAD compares: African/African-American, 0.0013%; no homozygotes.

Submission:

GeneDx
Classification: Uncertain significance. Last evaluated: 2025-12-08. Review status: criteria provided, single submitter. Criteria: GeneDx Variant Classification Process June 2021. Collection method: clinical testing. Allele origin: germline. Affected: yes.
Comment: Not observed in large population cohorts (gnomAD); In silico analysis supports that this missense variant has a deleterious effect on protein structure/function; Has not been previously published as pathogenic or benign to our knowledge

NM_001348323.3(TRIP12):c.883A>G (p.Lys295Glu)

Gene: TRIP12 (thyroid hormone receptor interactor 12; minus strand). Cytogenetic location: 2q36.3.
Variant type: single nucleotide variant.
Coding change: c.883A>G on transcript NM_001348323.3 (MANE Select); coding-DNA position 883, A replaced by G.
Protein change: p.Lys295Glu; replaces lysine 295 with glutamic acid.
Molecular consequence: missense variant. On other transcripts: intron variant (3).
Genome position (GRCh38, 1-based): chr2:229,858,916, T>C on the plus strand (A>G on the coding strand, the complement: TRIP12 is on the minus strand). VCF-style: chr2-229858916-T-C. GRCh37 (hg19) VCF-style: chr2-230723632-T-C.
Other names: c.883A>G, p.Lys295Glu (NM_001348330.2, NM_001348333.1, NM_001348335.2 and 13 more transcripts); c.757A>G, p.Lys253Glu (NM_001348331.1, NM_004238.3, NM_001284215.2 and 3 more transcripts); c.98+21066A>G (NM_001284216.2); c.880+3A>G (NM_001348332.1, NM_001348334.1); short protein forms K253E, K295E.
Identifiers: ClinVar variation 1309033 (VCV001309033.3), dbSNP rs2154335898, ClinGen allele CA350894585.